The following is an entry in ClinVar:

ClinVar aggregate classification (germline): Uncertain significance (1 of 4 stars; one submission).

Allele frequency attached by ClinVar (database versions not stated): ESP Exome Variant Server 0.00023.
gnomAD v4.1: 191 of 1,613,984 alleles (0.012%); highest among the groups gnomAD compares: Non-Finnish European, 0.014%; 1 homozygote.

Submission:

Labcorp Genetics (formerly Invitae), Labcorp
Classification: Uncertain significance. Last evaluated: 2021-10-29. Review status: criteria provided, single submitter. Criteria: Invitae Variant Classification Sherloc (09022015). Collection method: clinical testing. Allele origin: germline.
Comment: In summary, the available evidence is currently insufficient to determine the role of this variant in disease. Therefore, it has been classified as a Variant of Uncertain Significance. Algorithms developed to predict the effect of missense changes on protein structure and function are either unavailable or do not agree on the potential impact of this missense change (SIFT: "Deleterious"; PolyPhen-2: "Probably Damaging"; Align-GVGD: "Class C0"). This variant has not been reported in the literature in individuals affected with DNAH9-related conditions. This variant is present in population databases (rs200196922, gnomAD 0.009%). This sequence change replaces arginine, which is basic and polar, with tryptophan, which is neutral and slightly polar, at codon 3068 of the DNAH9 protein (p.Arg3068Trp).

NM_001372.4(DNAH9):c.9202C>T (p.Arg3068Trp)

Gene: DNAH9 (dynein axonemal heavy chain 9; plus strand). Cytogenetic location: 17p12.
Variant type: single nucleotide variant.
Coding change: c.9202C>T on transcript NM_001372.4 (MANE Select); coding-DNA position 9202, C replaced by T.
Protein change: p.Arg3068Trp; replaces arginine 3068 with tryptophan.
Molecular consequence: missense variant.
Genome position (GRCh38, 1-based): chr17:11,822,990, C>T. VCF-style: chr17-11822990-C-T. GRCh37 (hg19) VCF-style: chr17-11726307-C-T.
Other names: short protein forms R3068W.
Identifiers: ClinVar variation 1414297 (VCV001414297.4), dbSNP rs200196922, ClinGen allele CA8397158.
Genomic context (GRCh38, chr17:11,822,990, plus strand): 5'-ATCAGACTCTACCAGAGCTTGTTGCACAGGCACAGAAAAGAGCTCAAGTGCAAGACAGAG[C>T]GGTTGGAGAACGGGCTGCTGAAGCTGCATAGCACCTCTGCCCAGGTGAGCAATGTCCCGC-3'
Protein context (NP_001363.2, residues 3058-3078): HRKELKCKTE[Arg3068Trp]LENGLLKLHS